The following is an entry in ClinVar:

ClinVar aggregate classification (germline): Pathogenic (1 of 4 stars; one submission).

Conditions:
Tatton-Brown-Rahman overgrowth syndrome. Also called: Tall stature-intellectual disability-facial dysmorphism syndrome; Tatton-Brown-Rahman syndrome. Identifiers: Orphanet 404443, MedGen C4014545, MONDO:0014382, OMIM 615879.

Submission:

Labcorp Genetics (formerly Invitae), Labcorp
Classification: Pathogenic for Tatton-Brown-Rahman overgrowth syndrome. Last evaluated: 2024-03-01. Review status: criteria provided, single submitter. Criteria: Invitae Variant Classification Sherloc (09022015). Collection method: clinical testing. Allele origin: germline.
Comment: This sequence change creates a premature translational stop signal (p.Tyr526*) in the DNMT3A gene. It is expected to result in an absent or disrupted protein product. Loss-of-function variants in DNMT3A are known to be pathogenic (PMID: 24614070). This variant is not present in population databases (gnomAD no frequency). This variant has not been reported in the literature in individuals affected with DNMT3A-related conditions. For these reasons, this variant has been classified as Pathogenic.

Literature cited by the submitters: PubMed 24614070.

NM_022552.5(DNMT3A):c.1577dup (p.Tyr526Ter)

Gene: DNMT3A (DNA methyltransferase 3 alpha; minus strand). Cytogenetic location: 2p23.3.
Variant type: Duplication.
Coding change: c.1577dup on transcript NM_022552.5 (MANE Select); coding-DNA position 1577, one base duplicated (A; older notation c.1577dupA).
Protein change: p.Tyr526Ter; replaces tyrosine 526 with a stop codon.
Molecular consequence: nonsense. On other transcripts: non-coding transcript variant (1).
Genome position (GRCh38, 1-based): chr2:25,244,630, T duplicated on the plus strand (A on the coding strand, the reverse complement: DNMT3A is on the minus strand). VCF-style (leftmost placement, unchanged base first): chr2-25244629-G-GT. GRCh37 (hg19) VCF-style: chr2-25467498-G-GT.
Other names: c.1121dup, p.Tyr374Ter (NM_001320893.1); c.908dup, p.Tyr303Ter (NM_001375819.1); c.1010dup, p.Tyr337Ter (NM_153759.3); c.1577dup, p.Tyr526Ter (NM_175629.2); short protein forms Y526*, Y303*, Y337*, Y374*.
Identifiers: ClinVar variation 3643774 (VCV003643774.2).